The following is an entry in ClinVar:

ClinVar aggregate classification (germline): Pathogenic (1 of 4 stars; one submission).

Conditions:
Retinoblastoma (RB1). Also called: RETINOBLASTOMA, SOMATIC. Identifiers: Orphanet 790, MedGen C0035335, MeSH D012175, MONDO:0008380, OMIM 180200, HP:0009919. Disease mechanism: loss of function. Inheritance: Both sporadic and heritable forms are tested..

Submission:

St. Jude Molecular Pathology, St. Jude Children's Research Hospital
Classification: Pathogenic for Retinoblastoma. Last evaluated: 2024-09-16. Review status: criteria provided, single submitter. Criteria: St. Jude Assertion Criteria 2020. Collection method: clinical testing. Allele origin: germline. Affected: yes.
Comment: The RB1 c.2473del (p.Met825Ter) change deletes one nucleotide to cause a frameshift and the creation of a premature stop codon. This change is predicted to cause protein truncation or absence of protein due to nonsense-mediated decay. This variant has been reported in individuals with retinoblastoma (PMID: 24225018, internal data). This variant is also absent in gnomAD v2.1.1. In summary, this variant meets criteria to be classified as pathogenic.

NM_000321.3(RB1):c.2473del (p.Lys824_Met825insTer)

Gene: RB1 (RB transcriptional corepressor 1; plus strand). Cytogenetic location: 13q14.2.
Variant type: Deletion.
Coding change: c.2473del on transcript NM_000321.3 (MANE Select); coding-DNA position 2473, one base deleted (A; older notation c.2473delA).
Protein change: p.Lys824_Met825insTer.
Molecular consequence: nonsense. On other transcripts: frameshift variant (1).
Genome position (GRCh38, 1-based): chr13:48,465,352, A deleted; the last of 5 consecutive A bases (chr13:48,465,348-48,465,352); deleting any one gives the same sequence. VCF-style (leftmost placement, unchanged base first): chr13-48465347-CA-C. GRCh37 (hg19) VCF-style: chr13-49039483-CA-C.
Other names: c.2473delA, p.Met825Terfs (NM_000321.2); c.2473del, p.Lys824_Met825insTer (NM_001407165.1).
Identifiers: ClinVar variation 3602692 (VCV003602692.1).